The following is an entry in ClinVar:

ClinVar aggregate classification (germline): Uncertain significance (1 of 4 stars; one submission).

Conditions:
Neurodevelopmental disorder and structural brain anomalies with or without seizures and spasticity. Identifiers: MedGen C5394423, MONDO:0030046, OMIM 618890.

Submission:

Victorian Clinical Genetics Services, Murdoch Childrens Research Institute
Classification: Uncertain significance for Neurodevelopmental disorder and structural brain anomalies with or without seizures and spasticity. Last evaluated: 2020-05-25. Review status: criteria provided, single submitter. Criteria: ACMG Guidelines, 2015. Collection method: clinical testing. Allele origin: germline. Inheritance: Autosomal recessive inheritance.
Comment: Based on the classification scheme VCGS_Germline_v1.1.1, this variant is classified as a 3C-VUS. Following criteria are met: 0102 - Loss-of-function is a known mechanism of disease for this gene. (N) 0106 - This gene is known to be associated with autosomal recessive disease. (N) 0200 - This inframe deletion-insertion variant is predicted to result in a missense amino acid change from a proline to a phenylalanine. (N) 0251 - Variant is heterozygous. (N) 0301 - Variant is absent from gnomAD. (P) 0309 - An alternative amino acid change at the same position has been observed in gnomAD (3 heterozygotes, 0 homozygotes). (N) 0503 - Missense variant consistently predicted to be tolerated and has low conservation, with a major amino acid change (SIFT, PolyPhen). (B) 0600 - Variant is located in an annotated domain or motif (PHA03247 superfamily) (N) 0705 - No comparable variants have previous evidence for pathogenicity. (N) 0807 - Variant has not previously been reported in a clinical context. (N) 0905 - No segregation evidence has been identified for this variant. (N) 1007 - No published functional evidence has been identified for this variant. (N) Legend: (P) - Pathogenic, (N) - Neutral, (B) - Benign

NM_015466.4(PTPN23):c.2977C>T (p.Pro993Ser)

Gene: PTPN23 (protein tyrosine phosphatase non-receptor type 23; plus strand). Cytogenetic location: 3p21.31.
Variant type: single nucleotide variant.
Coding change: c.2977C>T on transcript NM_015466.4 (MANE Select); coding-DNA position 2977, C replaced by T.
Protein change: p.Pro993Ser; replaces proline 993 with serine.
Molecular consequence: missense variant.
Genome position (GRCh38, 1-based): chr3:47,410,775, C>T. VCF-style: chr3-47410775-C-T. GRCh37 (hg19) VCF-style: chr3-47452265-C-T.
Other names: c.2599C>T, p.Pro867Ser (NM_001304482.2); short protein forms P867S, P993S.
Identifiers: ClinVar variation 1805637 (VCV001805637.1), dbSNP rs758174943, ClinGen allele CA352560903.